The following is an entry in ClinVar:

ClinVar aggregate classification (germline): Pathogenic/Likely pathogenic. Review status: criteria provided, multiple submitters, no conflicts (2 of 4 stars). 3 submissions from 3 submitters: Pathogenic (2); Likely pathogenic (1). Last evaluated 2024-07-16.

Conditions:
Autosomal recessive polycystic kidney disease (ARPKD). Also called: AR polycystic kidney disease. Identifiers: Orphanet 731, Orphanet 8378, MedGen C0085548, MeSH D017044, MONDO:0009889.

Submissions (3):

Natera, Inc.
Classification: Likely pathogenic for Autosomal recessive polycystic kidney disease. Last evaluated: 2024-07-16. Review status: criteria provided, single submitter. Criteria: Natera Variant Classification Schema (03/2026). Collection method: clinical testing. Allele origin: germline.
Comment: The c.3473G>A variant in PKHD1 is a nonsense variant predicted to introduce a stop codon at amino acid 1158. This variant is expected to result in nonsense mediated decay, truncation, or a dysfunctional protein product. This variant is rare in the general population with a frequency below the threshold expected for the associated phenotype(s). Given the available evidence, this variant is classified as Likely Pathogenic.

Labcorp Genetics (formerly Invitae), Labcorp
Classification: Pathogenic for Autosomal recessive polycystic kidney disease. Last evaluated: 2022-04-25. Review status: criteria provided, single submitter. Criteria: Invitae Variant Classification Sherloc (09022015). Collection method: clinical testing. Allele origin: germline.
Comment: This sequence change creates a premature translational stop signal (p.Trp1158*) in the PKHD1 gene. It is expected to result in an absent or disrupted protein product. Loss-of-function variants in PKHD1 are known to be pathogenic (PMID: 19940839). This variant is not present in population databases (gnomAD no frequency). This variant has not been reported in the literature in individuals affected with PKHD1-related conditions. ClinVar contains an entry for this variant (Variation ID: 857034). For these reasons, this variant has been classified as Pathogenic.

Mayo Clinic Laboratories, Mayo Clinic
Classification: Pathogenic. Last evaluated: 2020-04-24. Review status: criteria provided, single submitter. Criteria: ACMG Guidelines, 2015. Collection method: clinical testing. Allele origin: germline. Observed: 1 variant allele.
Comment: PVS1, PM2, PP5

Literature cited by the submitters: PubMed 19940839 (cited by Labcorp Genetics (formerly Invitae), Labcorp).

NM_138694.4(PKHD1):c.3473G>A (p.Trp1158Ter)

Gene: PKHD1 (PKHD1 ciliary IPT domain containing fibrocystin/polyductin; minus strand). Cytogenetic location: 6p12.2.
Variant type: single nucleotide variant.
Coding change: c.3473G>A on transcript NM_138694.4 (MANE Select); coding-DNA position 3473, G replaced by A.
Protein change: p.Trp1158Ter; replaces tryptophan 1158 with a stop codon.
Molecular consequence: nonsense.
Genome position (GRCh38, 1-based): chr6:52,028,243, C>T on the plus strand (G>A on the coding strand, the complement: PKHD1 is on the minus strand). VCF-style: chr6-52028243-C-T. GRCh37 (hg19) VCF-style: chr6-51893041-C-T.
Other names: c.3473G>A, p.Trp1158Ter (NM_170724.3); short protein forms W1158*.
Identifiers: ClinVar variation 857034 (VCV000857034.14), dbSNP rs1802523270, ClinGen allele CA364440521.
Genomic context (GRCh38, chr6:52,028,243, plus strand): 5'-ATAGAGACGGAAATTCTGTGGAGACCAGCTGGCAGTGGGGGCAGTGCCACCTCCAGGCCC[C>T]AAGCCGACTGTGTGTGAACCGGAGCCAAGGCATCCTGGACGTGGACTTCCACATCCAAAT-3'